The following is an entry in ClinVar:

NM_002972.4(SBF1):c.3339C>T (p.Ser1113=)

Gene: SBF1 (SET binding factor 1; minus strand). Cytogenetic location: 22q13.33.
Variant type: single nucleotide variant.
Coding change: c.3339C>T on transcript NM_002972.4 (MANE Select); coding-DNA position 3339, C replaced by T.
Protein change: p.Ser1113=; no amino-acid change (serine 1113 retained).
Molecular consequence: synonymous variant.
Genome position (GRCh38, 1-based): chr22:50,460,104, G>A on the plus strand (C>T on the coding strand, the complement: SBF1 is on the minus strand). VCF-style: chr22-50460104-G-A. GRCh37 (hg19) VCF-style: chr22-50898533-G-A.
Other names: p.Ser1113=; c.3342C>T, p.Ser1114= (NM_001365819.1).
Identifiers: ClinVar variation 773620 (VCV000773620.58), dbSNP rs149160974, ClinGen allele CA10316751.

ClinVar aggregate classification (germline): Benign/Likely benign. Review status: criteria provided, multiple submitters, no conflicts (2 of 4 stars). 7 submissions from 7 submitters: Benign (4); Likely benign (3). Last evaluated 2026-09-01.

Conditions:
SBF1-related disorder. Also called: SBF1-related condition.
Charcot-Marie-Tooth disease type 4B3. Also called: Charcot-Marie-Tooth Neuropathy Type 4B3; CHARCOT-MARIE-TOOTH DISEASE, DEMYELINATING, TYPE 4B3. Identifiers: Orphanet 363981, MedGen C3695063, MONDO:0014117, OMIM 615284.

Allele frequency attached by ClinVar (database versions not stated): 1000 Genomes Project 0.00260; 1000 Genomes Project 30x 0.00265; TOPMed 0.00436; gnomAD exomes 0.00537 and 0.00618; ExAC 0.00553; gnomAD 0.00559 and 0.00612; ESP Exome Variant Server 0.00569.
gnomAD v4.1: 9,819 of 1,613,542 alleles (0.61%); highest among the groups gnomAD compares: Non-Finnish European, 0.66%; 43 homozygotes.

Submissions (7):

CeGaT Center for Human Genetics Tuebingen
Classification: Likely benign. Last evaluated: 2026-09-01. Review status: criteria provided, single submitter. Criteria: CeGaT Center For Human Genetics Tuebingen Variant Classification Criteria Version 2. Collection method: clinical testing. Allele origin: germline. Affected: yes. Observed: 39 variant alleles.
Comment: SBF1: BP4, BP7, BS2

PreventionGenetics, part of Exact Sciences
Classification: Benign for SBF1-related condition. Last evaluated: 2026-07-01. Review status: criteria provided, single submitter. Criteria: ACMG Guidelines, 2015. Collection method: clinical testing. Allele origin: germline.
Comment: This variant is classified as benign based on ACMG/AMP sequence variant interpretation guidelines (Richards et al. 2015 PMID: 25741868, with internal and published modifications).

Labcorp Genetics (formerly Invitae), Labcorp
Classification: Benign. Last evaluated: 2026-02-01. Review status: criteria provided, single submitter. Criteria: Invitae Variant Classification Sherloc (09022015). Collection method: clinical testing. Allele origin: germline.

ARUP Laboratories, Molecular Genetics and Genomics, ARUP Laboratories
Classification: Benign for Charcot-Marie-Tooth disease type 4B3. Last evaluated: 2023-11-22. Review status: criteria provided, single submitter. Criteria: ARUP Molecular Germline Variant Investigation Process 2024. Collection method: clinical testing. Allele origin: germline.

GeneDx
Classification: Likely benign. Last evaluated: 2021-03-22. Review status: criteria provided, single submitter. Criteria: GeneDx Variant Classification Process June 2021. Collection method: clinical testing. Allele origin: germline. Affected: yes.

Mayo Clinic Laboratories, Mayo Clinic
Classification: Benign. Last evaluated: 2020-06-11. Review status: criteria provided, single submitter. Criteria: ACMG Guidelines, 2015. Collection method: clinical testing. Allele origin: germline. Observed: 14 variant alleles.

Breakthrough Genomics
Classification: Likely benign. Review status: criteria provided, single submitter. Criteria: ACMG Guidelines, 2015. Collection method: not provided. Allele origin: germline. Inheritance: Autosomal recessive inheritance. Affected: yes.